The following is an entry in ClinVar:

ClinVar aggregate classification (germline): Uncertain significance (1 of 4 stars; one submission).

Submission:

GeneDx
Classification: Uncertain significance. Last evaluated: 2024-06-20. Review status: criteria provided, single submitter. Criteria: GeneDx Variant Classification Process June 2021. Collection method: clinical testing. Allele origin: germline. Affected: yes.
Comment: Not observed at significant frequency in large population cohorts (gnomAD); Frameshift variant predicted to result in abnormal protein length as the last 20 amino acids are replaced with 28 different amino acids; Has not been previously published as pathogenic or benign to our knowledge

NM_001130438.3(SPTAN1):c.7373_*31del (p.Gly2458_Ter2478delinsXaa)

Gene: SPTAN1 (spectrin alpha, non-erythrocytic 1; plus strand). Cytogenetic location: 9q34.11.
Variant type: Deletion.
Coding change: c.7373_*31del on transcript NM_001130438.3 (MANE Select); coding-DNA position 7373 through 31 bases downstream of the stop codon, 93 bases deleted.
Protein change: p.Gly2458_Ter2478delinsXaa.
Molecular consequence: stop lost.
Genome position (GRCh38, 1-based): chr9:128,633,273-128,633,365, 93 bases deleted. GRCh37 (hg19): chr9:131,395,552-131,395,644.
Other names: c.7298_*31del, p.Gly2433_Ter2453delinsXaa (NM_001195532.2); c.7436_*31del, p.Gly2479_Ter2499delinsXaa (NM_001363759.2); c.7313_*31del, p.Gly2438_Ter2458delinsXaa (NM_001363765.2, NM_001375314.2); c.7460_*31del, p.Gly2487_Ter2507delinsXaa (NM_001375310.1); c.7373_*31del, p.Gly2458_Ter2478delinsXaa (NM_001375311.2); c.7409_*31del, p.Gly2470_Ter2490delinsXaa (NM_001375312.2); c.7355_*31del, p.Gly2452_Ter2472delinsXaa (NM_001375313.1); c.7472_*31del, p.Gly2491_Ter2511delinsXaa (NM_001375318.1); and 1 more.
Identifiers: ClinVar variation 3391531 (VCV003391531.1).